The following is an entry in ClinVar:

ClinVar aggregate classification (germline): Likely pathogenic. Review status: criteria provided, multiple submitters, no conflicts (2 of 4 stars). 3 submissions from 3 submitters: Likely pathogenic (2). 1 of the submissions does not count toward it. Last evaluated 2024-02-19.

Conditions:
Autosomal recessive nonsyndromic hearing loss 2. Also called: NEUROSENSORY NONSYNDROMIC RECESSIVE DEAFNESS 2; DEAFNESS, AUTOSOMAL RECESSIVE 2. Identifiers: Orphanet 90636, MedGen C1838701, MONDO:0010807, OMIM 600060.
Usher syndrome type 1 (USH1). Also called: RETINITIS PIGMENTOSA AND CONGENITAL DEAFNESS. Identifiers: Orphanet 231169, Orphanet 886, MedGen C1568247, MONDO:0010168, OMIM 276900.
MYO7A-related disorder. Also called: MYO7A-related disorders.

Submissions (3):

Blueprint Genetics
Classification: Likely pathogenic for MYO7A-related disorders. Last evaluated: 2024-02-19. Review status: criteria provided, single submitter. Criteria: ACMG Guidelines, 2015. Collection method: clinical testing. Allele origin: germline. Affected: yes. Observed: 3 variant alleles.

Labcorp Genetics (formerly Invitae), Labcorp
Classification: Likely pathogenic. Last evaluated: 2022-07-12. Review status: criteria provided, single submitter. Criteria: Invitae Variant Classification Sherloc (09022015). Collection method: clinical testing. Allele origin: germline.
Comment: ClinVar contains an entry for this variant (Variation ID: 557657). Algorithms developed to predict the effect of sequence changes on RNA splicing suggest that this variant may disrupt the consensus splice site. In summary, the currently available evidence indicates that the variant is pathogenic, but additional data are needed to prove that conclusively. Therefore, this variant has been classified as Likely Pathogenic. This variant has not been reported in the literature in individuals affected with MYO7A-related conditions. This variant is not present in population databases (gnomAD no frequency). This sequence change affects a donor splice site in intron 36 of the MYO7A gene. It is expected to disrupt RNA splicing. Variants that disrupt the donor or acceptor splice site typically lead to a loss of protein function (PMID: 16199547), and loss-of-function variants in MYO7A are known to be pathogenic (PMID: 8900236, 25404053).

Counsyl
Classification: Likely pathogenic for Usher syndrome type 1; Autosomal recessive nonsyndromic hearing loss 2. Last evaluated: 2018-04-03. Review status: no assertion criteria provided. Collection method: clinical testing. Allele origin: unknown. Not counted in ClinVar's aggregate classification.

Literature cited by the submitters: PubMed 16199547 (cited by Labcorp Genetics (formerly Invitae), Labcorp); PubMed 8900236 (cited by Labcorp Genetics (formerly Invitae), Labcorp); PubMed 25404053 (cited by Labcorp Genetics (formerly Invitae), Labcorp).

NM_000260.4(MYO7A):c.5043+1G>T

Gene: MYO7A (myosin VIIA; plus strand). Cytogenetic location: 11q13.5.
Variant type: single nucleotide variant.
Coding change: c.5043+1G>T on transcript NM_000260.4 (MANE Select); the canonical splice donor site of the intron after coding-DNA position 5043, G replaced by T.
Molecular consequence: splice donor variant.
Genome position (GRCh38, 1-based): chr11:77,201,639, G>T. VCF-style: chr11-77201639-G-T. GRCh37 (hg19) VCF-style: chr11-76912684-G-T.
Other names: c.4896+1G>T (NM_001369365.1); c.4929+1G>T (NM_001127180.2).
Identifiers: ClinVar variation 557657 (VCV000557657.8), dbSNP rs1555102147, ClinGen allele CA381951495.